The following is an entry in ClinVar:

ClinVar aggregate classification (germline): Likely benign. Review status: criteria provided, multiple submitters, no conflicts (2 of 4 stars). 3 submissions from 3 submitters: Likely benign (2). 1 of the submissions does not count toward it. Last evaluated 2025-05-12.

Conditions:
MRPS34-related disorder. Also called: MRPS34-related condition.

Allele frequency attached by ClinVar (database versions not stated): gnomAD exomes 0.00003; ExAC 0.00006; ESP Exome Variant Server 0.00015; TOPMed 0.00031; gnomAD 0.00035; 1000 Genomes Project 30x 0.00094; 1000 Genomes Project 0.00120.
gnomAD v4.1: 91 of 1,612,980 alleles (0.0056%); highest among the groups gnomAD compares: African/African-American, 0.11%; no homozygotes.

Submissions (3):

Labcorp Genetics (formerly Invitae), Labcorp
Classification: Likely benign. Last evaluated: 2025-05-12. Review status: criteria provided, single submitter. Criteria: Invitae Variant Classification Sherloc (09022015). Collection method: clinical testing. Allele origin: germline.

Blueprint Genetics
Classification: Likely benign. Last evaluated: 2021-08-25. Review status: criteria provided, single submitter. Criteria: ACMG Guidelines, 2015. Collection method: clinical testing. Allele origin: germline.

PreventionGenetics, part of Exact Sciences
Classification: Likely benign for MRPS34-related condition. Last evaluated: 2019-08-28. Review status: no assertion criteria provided. Collection method: clinical testing. Allele origin: germline. Not counted in ClinVar's aggregate classification.
Comment: This variant is classified as likely benign based on ACMG/AMP sequence variant interpretation guidelines (Richards et al. 2015 PMID: 25741868, with internal and published modifications).

NM_023936.2(MRPS34):c.513G>A (p.Arg171=)

Gene: MRPS34 (mitochondrial ribosomal protein S34; minus strand). Cytogenetic location: 16p13.3.
Variant type: single nucleotide variant.
Coding change: c.513G>A on transcript NM_023936.2 (MANE Select); coding-DNA position 513, G replaced by A.
Protein change: p.Arg171=; no amino-acid change (arginine 171 retained).
Molecular consequence: synonymous variant.
Genome position (GRCh38, 1-based): chr16:1,772,365, C>T on the plus strand (G>A on the coding strand, the complement: MRPS34 is on the minus strand). VCF-style: chr16-1772365-C-T. GRCh37 (hg19) VCF-style: chr16-1822366-C-T.
Other names: c.534G>A, p.Arg178= (NM_001300900.2); c.534G>A (NM_001300900.1).
Identifiers: ClinVar variation 2158241 (VCV002158241.7), dbSNP rs144165022, ClinGen allele CA7818314.